The following is an entry in ClinVar:

NM_001035.3(RYR2):c.7375G>A (p.Gly2459Arg)

Gene: RYR2 (ryanodine receptor 2; plus strand). Cytogenetic location: 1q43.
Variant type: single nucleotide variant.
Coding change: c.7375G>A on transcript NM_001035.3 (MANE Select); coding-DNA position 7375, G replaced by A.
Protein change: p.Gly2459Arg; replaces glycine 2459 with arginine.
Molecular consequence: missense variant.
Genome position (GRCh38, 1-based): chr1:237,648,476, G>A. VCF-style: chr1-237648476-G-A. GRCh37 (hg19) VCF-style: chr1-237811776-G-A.
Other names: short protein forms G2459R.
Identifiers: ClinVar variation 945652 (VCV000945652.13), dbSNP rs1481363942, ClinGen allele CA345398080.

ClinVar aggregate classification (germline): Conflicting classifications of pathogenicity. Review status: criteria provided, conflicting classifications (1 of 4 stars). 4 submissions from 4 submitters: Likely pathogenic (1); Uncertain significance (3). Last evaluated 2025-02-12.

Conditions:
Cardiovascular phenotype. Identifiers: MedGen CN230736.
Catecholaminergic polymorphic ventricular tachycardia 1. Also called: VENTRICULAR TACHYCARDIA, CATECHOLAMINERGIC POLYMORPHIC, 1, WITH OR WITHOUT ATRIAL DYSFUNCTION AND/OR DILATED CARDIOMYOPATHY; VENTRICULAR TACHYCARDIA, STRESS-INDUCED POLYMORPHIC 1; RYR2-Related Catecholaminergic Polymorphic Ventricular Tachycardia. Identifiers: Orphanet 3286, MedGen C1631597, MONDO:0011484, OMIM 604772.

Allele frequency attached by ClinVar (database versions not stated): gnomAD exomes 0.00001 and below 0.00001; gnomAD 0.00002; TOPMed 0.00002.
gnomAD v4.1: 7 of 1,610,090 alleles (0.00043%); highest among the groups gnomAD compares: Non-Finnish European, 0.00059%; no homozygotes.

Submissions (4):

Ambry Genetics
Classification: Uncertain significance for Cardiovascular phenotype. Last evaluated: 2025-02-12. Review status: criteria provided, single submitter. Criteria: Ambry Variant Classification Scheme 2023. Collection method: clinical testing. Allele origin: germline.
Comment: The p.G2459R variant (also known as c.7375G>A), located in coding exon 49 of the RYR2 gene, results from a G to A substitution at nucleotide position 7375. The glycine at codon 2459 is replaced by arginine, an amino acid with dissimilar properties. This variant was reported in an individual with sudden cardiac arrest (Mellor G et al. Circ Cardiovasc Genet, 2017 Jun;10). This amino acid position is well conserved in available vertebrate species. In addition, this alteration is predicted to be deleterious by in silico analysis. Based on the available evidence, the clinical significance of this variant remains unclear.

Labcorp Genetics (formerly Invitae), Labcorp
Classification: Uncertain significance for Catecholaminergic polymorphic ventricular tachycardia 1. Last evaluated: 2023-09-06. Review status: criteria provided, single submitter. Criteria: Invitae Variant Classification Sherloc (09022015). Collection method: clinical testing. Allele origin: germline.
Comment: This sequence change replaces glycine, which is neutral and non-polar, with arginine, which is basic and polar, at codon 2459 of the RYR2 protein (p.Gly2459Arg). The frequency data for this variant in the population databases is considered unreliable, as metrics indicate poor data quality at this position in the gnomAD database. In summary, the available evidence is currently insufficient to determine the role of this variant in disease. Therefore, it has been classified as a Variant of Uncertain Significance. Advanced modeling of protein sequence and biophysical properties (such as structural, functional, and spatial information, amino acid conservation, physicochemical variation, residue mobility, and thermodynamic stability) has been performed at Invitae for this missense variant, however the output from this modeling did not meet the statistical confidence thresholds required to predict the impact of this variant on RYR2 protein function. ClinVar contains an entry for this variant (Variation ID: 945652). This missense change has been observed in individual(s) with cardiac arrest (PMID: 28600387).

Molecular Diagnostic Laboratory for Inherited Cardiovascular Disease, Montreal Heart Institute
Classification: Likely pathogenic for Cardiovascular phenotype. Last evaluated: 2022-09-02. Review status: criteria provided, single submitter. Criteria: ACMG Guidelines, 2015. Collection method: clinical testing. Allele origin: germline. Affected: yes.

AiLife Diagnostics
Classification: Uncertain significance. Last evaluated: 2022-02-21. Review status: criteria provided, single submitter. Criteria: ACMG Guidelines, 2015. Collection method: clinical testing. Allele origin: germline. Affected: yes. Observed: 1 variant allele.

Literature cited by the submitters: PubMed 28600387 (cited by 3 submitters).